The following is an entry in ClinVar:

NM_002439.5(MSH3):c.1307C>T (p.Thr436Ile)

Gene: MSH3 (mutS homolog 3; plus strand). Cytogenetic location: 5q14.1.
Variant type: single nucleotide variant.
Coding change: c.1307C>T on transcript NM_002439.5 (MANE Select); coding-DNA position 1307, C replaced by T.
Protein change: p.Thr436Ile; replaces threonine 436 with isoleucine.
Molecular consequence: missense variant.
Genome position (GRCh38, 1-based): chr5:80,679,060, C>T. VCF-style: chr5-80679060-C-T. GRCh37 (hg19) VCF-style: chr5-79974879-C-T.
Other names: short protein forms T436I.
Identifiers: ClinVar variation 858688 (VCV000858688.14), dbSNP rs974762625, ClinGen allele CA121297278.

ClinVar aggregate classification (germline): Uncertain significance. Review status: criteria provided, multiple submitters, no conflicts (2 of 4 stars). 3 submissions from 3 submitters: Uncertain significance (3). Last evaluated 2025-10-28.

Conditions:
Hereditary cancer-predisposing syndrome. Also called: Tumor predisposition; Hereditary neoplastic syndrome; Neoplastic Syndromes, Hereditary; Hereditary Cancer Syndrome. Identifiers: Orphanet 140162, MedGen C0027672, MeSH D009386, MONDO:0015356.
Endometrial carcinoma. Also called: Endometrial carcinoma, somatic. Identifiers: MedGen C0476089, MONDO:0002447, OMIM 608089, HP:0012114.

gnomAD v4.1: 5 of 1,614,078 alleles (0.00031%); highest among the groups gnomAD compares: Non-Finnish European, 0.00042%; no homozygotes.

Submissions (3):

Ambry Genetics
Classification: Uncertain significance for Hereditary cancer-predisposing syndrome. Last evaluated: 2025-10-28. Review status: criteria provided, single submitter. Criteria: Ambry Variant Classification Scheme 2023. Collection method: clinical testing. Allele origin: germline.
Comment: The p.T436I variant (also known as c.1307C>T), located in coding exon 8 of the MSH3 gene, results from a C to T substitution at nucleotide position 1307. The threonine at codon 436 is replaced by isoleucine, an amino acid with similar properties. This amino acid position is well conserved in available vertebrate species. In addition, this alteration is predicted to be deleterious by in silico analysis. Since supporting evidence is limited at this time, the clinical significance of this alteration remains unclear.

Labcorp Genetics (formerly Invitae), Labcorp
Classification: Uncertain significance. Last evaluated: 2025-04-30. Review status: criteria provided, single submitter. Criteria: Invitae Variant Classification Sherloc (09022015). Collection method: clinical testing. Allele origin: germline.
Comment: This sequence change replaces threonine, which is neutral and polar, with isoleucine, which is neutral and non-polar, at codon 436 of the MSH3 protein (p.Thr436Ile). This variant is not present in population databases (gnomAD no frequency). This variant has not been reported in the literature in individuals affected with MSH3-related conditions. ClinVar contains an entry for this variant (Variation ID: 858688). An algorithm developed to predict the effect of missense changes on protein structure and function (PolyPhen-2) suggests that this variant is likely to be disruptive. In summary, the available evidence is currently insufficient to determine the role of this variant in disease. Therefore, it has been classified as a Variant of Uncertain Significance.

Baylor Genetics
Classification: Uncertain significance for Endometrial carcinoma. Last evaluated: 2024-03-05. Review status: criteria provided, single submitter. Criteria: ACMG Guidelines, 2015. Collection method: clinical testing. Allele origin: unknown.